The following is an entry in ClinVar:

ClinVar aggregate classification (germline): Uncertain significance (1 of 4 stars; one submission).

Conditions:
INVS-related disorder. Also called: INVS-related condition.

gnomAD v4.1: 6 of 1,613,120 alleles (0.00037%); highest among the groups gnomAD compares: Non-Finnish European, 0.00051%; no homozygotes.

Submission:

PreventionGenetics, part of Exact Sciences
Classification: Uncertain significance for INVS-related condition. Last evaluated: 2024-10-07. Review status: criteria provided, single submitter. Criteria: ACMG Guidelines, 2015. Collection method: clinical testing. Allele origin: germline.
Comment: The INVS c.1481A>C variant is predicted to result in the amino acid substitution p.His494Pro. To our knowledge, this variant has not been reported in the literature. This variant is reported in 0.0018% of alleles in individuals of European (Non-Finnish) descent in gnomAD. At this time, the clinical significance of this variant is uncertain due to the absence of conclusive functional and genetic evidence.

NM_014425.5(INVS):c.1481A>C (p.His494Pro)

Gene: INVS (inversin; plus strand). Cytogenetic location: 9q31.1.
Variant type: single nucleotide variant.
Coding change: c.1481A>C on transcript NM_014425.5 (MANE Select); coding-DNA position 1481, A replaced by C.
Protein change: p.His494Pro; replaces histidine 494 with proline.
Molecular consequence: missense variant. On other transcripts: non-coding transcript variant (1).
Genome position (GRCh38, 1-based): chr9:100,264,838, A>C. VCF-style: chr9-100264838-A-C. GRCh37 (hg19) VCF-style: chr9-103027120-A-C.
Other names: c.1193A>C, p.His398Pro (NM_001318381.2); c.503A>C, p.His168Pro (NM_001318382.2); short protein forms H168P, H398P, H494P.
Identifiers: ClinVar variation 4983171 (VCV004983171.1).
Genomic context (GRCh38, chr9:100,264,838, plus strand): 5'-AAATACTTACTCCAGATGTACTTGATTTTTGTTTATGCTTATAGGGAAGAACAGCTTTGC[A>C]TTGGTCCTGCAACAATGGATACCTTGATGCCATTAAATTACTGCTAGACTTTGCTGCTTT-3'
Protein context (NP_055240.2, residues 484-504): IQDKEGRTAL[His494Pro]WSCNNGYLDA